The following is an entry in ClinVar:

NM_000234.3(LIG1):c.2576G>A (p.Arg859Gln)

Gene: LIG1 (DNA ligase 1; minus strand). Cytogenetic location: 19q13.33.
Variant type: single nucleotide variant.
Coding change: c.2576G>A on transcript NM_000234.3 (MANE Select); coding-DNA position 2576, G replaced by A.
Protein change: p.Arg859Gln; replaces arginine 859 with glutamine.
Molecular consequence: missense variant. On other transcripts: non-coding transcript variant (6).
Genome position (GRCh38, 1-based): chr19:48,117,645, C>T on the plus strand (G>A on the coding strand, the complement: LIG1 is on the minus strand). VCF-style: chr19-48117645-C-T. GRCh37 (hg19) VCF-style: chr19-48620902-C-T.
Other names: c.2483G>A, p.Arg828Gln (NM_001289063.2); c.2372G>A, p.Arg791Gln (NM_001289064.2); c.2573G>A, p.Arg858Gln (NM_001320970.2); c.2486G>A, p.Arg829Gln (NM_001320971.2); short protein forms R859Q, R828Q, R858Q, R791Q, R829Q.
Identifiers: ClinVar variation 2176463 (VCV002176463.1), dbSNP rs760323184, ClinGen allele CA9546365.

ClinVar aggregate classification (germline): Uncertain significance (1 of 4 stars; one submission).

Allele frequency attached by ClinVar (database versions not stated): gnomAD 0.00002; gnomAD exomes 0.00002; TOPMed 0.00003.
gnomAD v4.1: 38 of 1,612,438 alleles (0.0024%); highest among the groups gnomAD compares: Admixed American, 0.018%; no homozygotes.

Submission:

Labcorp Genetics (formerly Invitae), Labcorp
Classification: Uncertain significance. Last evaluated: 2022-03-23. Review status: criteria provided, single submitter. Criteria: Invitae Variant Classification Sherloc (09022015). Collection method: clinical testing. Allele origin: germline.
Comment: This sequence change replaces arginine, which is basic and polar, with glutamine, which is neutral and polar, at codon 859 of the LIG1 protein (p.Arg859Gln). This variant is present in population databases (rs760323184, gnomAD 0.03%). This variant has not been reported in the literature in individuals affected with LIG1-related conditions. Algorithms developed to predict the effect of missense changes on protein structure and function (SIFT, PolyPhen-2, Align-GVGD) all suggest that this variant is likely to be tolerated. Algorithms developed to predict the effect of sequence changes on RNA splicing suggest that this variant may create or strengthen a splice site. In summary, the available evidence is currently insufficient to determine the role of this variant in disease. Therefore, it has been classified as a Variant of Uncertain Significance.